The following is an entry in ClinVar:

ClinVar aggregate classification (germline): Pathogenic/Likely pathogenic. Review status: criteria provided, multiple submitters, no conflicts (2 of 4 stars). 8 submissions from 8 submitters: Pathogenic (6); Likely pathogenic (2). Last evaluated 2025-04-28.

Conditions:
GNPTG-related disorder. Also called: GNPTG-related condition.
GNPTG-mucolipidosis. Also called: Mucolipidosis type III gamma; MUCOLIPIDOSIS III, COMPLEMENTATION GROUP C; MUCOLIPIDOSIS III, IRANIAN VARIANT FORM; MUCOLIPIDOSIS III, VARIANT FORM; ML III GAMMA; ML IIIC. Identifiers: Orphanet 423470, Orphanet 577, MedGen C1854896, MONDO:0009652, OMIM 252605.

Allele frequency attached by ClinVar (database versions not stated): gnomAD exomes 0.00001; ExAC 0.00002; TOPMed 0.00002; ESP Exome Variant Server 0.00008; gnomAD 0.00001.
gnomAD v4.1: 17 of 1,613,800 alleles (0.0011%); highest among the groups gnomAD compares: Middle Eastern, 0.016%; no homozygotes.

Submissions (8):

Labcorp Genetics (formerly Invitae), Labcorp
Classification: Pathogenic. Last evaluated: 2025-04-28. Review status: criteria provided, single submitter. Criteria: Invitae Variant Classification Sherloc (09022015). Collection method: clinical testing. Allele origin: germline.
Comment: This sequence change affects a donor splice site in intron 4 of the GNPTG gene. It is expected to disrupt RNA splicing. Variants that disrupt the donor or acceptor splice site typically lead to a loss of protein function (PMID: 16199547), and loss-of-function variants in GNPTG are known to be pathogenic (PMID: 19370764, 20301784). This variant is present in population databases (rs376679416, gnomAD 0.01%). Disruption of this splice site has been observed in individual(s) with clinical features of mucolipidosis III gamma (PMID: 30507725, 30882951). It has also been observed to segregate with disease in related individuals. ClinVar contains an entry for this variant (Variation ID: 552294). Algorithms developed to predict the effect of sequence changes on RNA splicing suggest that this variant may disrupt the consensus splice site. For these reasons, this variant has been classified as Pathogenic.

Natera, Inc.
Classification: Pathogenic for Mucolipidosis III gamma. Last evaluated: 2024-05-02. Review status: criteria provided, single submitter. Criteria: Natera Variant Classification Schema (03/2026). Collection method: clinical testing. Allele origin: germline.
Comment: The c.233+1G>A variant in GNPTG is a canonical splice donor site variant predicted to affect pre-mRNA splicing, which may result in an abnormal transcript and altered protein product. This variant is expected to result in nonsense mediated decay, truncation, or a dysfunctional protein product. This variant is rare in the general population with a frequency below the threshold expected for the associated phenotype(s). This variant has been observed in one or more individuals affected with the associated recessive disease, as either homozygous or compound heterozygous with a second variant (PMID: 30507725). Additionally, this variant has been observed to segregate in affected family members (PMID: 30507725). Given the available evidence, this variant is classified as Pathogenic.

Laboratory of Medical Genetics, National & Kapodistrian University of Athens
Classification: Pathogenic for GNPTG-mucolipidosis. Last evaluated: 2024-02-01. Review status: criteria provided, single submitter. Criteria: ACMG Guidelines, 2015. Collection method: curation. Allele origin: germline. Affected: no.

GeneDx
Classification: Pathogenic. Last evaluated: 2023-03-08. Review status: criteria provided, single submitter. Criteria: GeneDx Variant Classification Process June 2021. Collection method: clinical testing. Allele origin: germline. Affected: yes.
Comment: Not observed at significant frequency in large population cohorts (gnomAD); Canonical splice site variant predicted to result in a null allele in a gene for which loss of function is a known mechanism of disease; This variant is associated with the following publications: (PMID: 30882951, 30507725, Eissa[article]2022)

Myriad Genetics, Inc.
Classification: Likely pathogenic for GNPTG-mucolipidosis. Last evaluated: 2021-11-19. Review status: criteria provided, single submitter. Criteria: Myriad Women's Health Autosomal Recessive and X-Linked Classification Criteria (2021). Collection method: clinical testing. Allele origin: unknown.
Comment: NM_032520.4(GNPTG):c.233+1G>A is a canonical splice variant classified as likely pathogenic in the context of mucolipidosis III gamma. c.233+1G>A has been observed in cases with relevant disease (PMID: 30507725). Functional assessments of this variant are not available in the literature. c.233+1G>A has been observed in population frequency databases (gnomAD: AFR 0.01%). In summary, NM_032520.4(GNPTG):c.233+1G>A is a canonical splice variant in a gene where loss of function is a known mechanism of disease and is predicted to disrupt protein function. Please note: this variant was assessed in the context of healthy population screening.

Genome-Nilou Lab
Classification: Pathogenic for GNPTG-mucolipidosis. Last evaluated: 2021-11-07. Review status: criteria provided, single submitter. Criteria: ACMG Guidelines, 2015. Collection method: clinical testing. Allele origin: germline. Affected: no.

Blueprint Genetics
Classification: Pathogenic for GNPTG-related disorders. Last evaluated: 2019-10-30. Review status: criteria provided, single submitter. Criteria: ACMG Guidelines, 2015. Collection method: clinical testing. Allele origin: germline. Affected: yes. Observed: 1 variant allele.

Medical Molecular Genetics Department, Human Genetics and Genome Research Division, National Research Centre
Classification: Likely pathogenic for GNPTG-mucolipidosis. Last evaluated: 2018-12-10. Review status: criteria provided, single submitter. Criteria: ACMG Guidelines, 2015. Collection method: clinical testing. Allele origin: inherited. Affected: yes. Observed: 1 variant allele.

Literature cited by the submitters: PubMed 16199547 (cited by Labcorp Genetics (formerly Invitae), Labcorp); PubMed 19370764 (cited by Labcorp Genetics (formerly Invitae), Labcorp); PubMed 20301784 (cited by Labcorp Genetics (formerly Invitae), Labcorp); PubMed 30507725 (cited by 3 submitters); PubMed 30882951 (cited by Labcorp Genetics (formerly Invitae), Labcorp).

NM_032520.5(GNPTG):c.233+1G>A

Gene: GNPTG (N-acetylglucosamine-1-phosphate transferase subunit gamma; plus strand). Cytogenetic location: 16p13.3.
Variant type: single nucleotide variant.
Coding change: c.233+1G>A on transcript NM_032520.5 (MANE Select); the canonical splice donor site of the intron after coding-DNA position 233, G replaced by A.
Molecular consequence: splice donor variant.
Genome position (GRCh38, 1-based): chr16:1,361,798, G>A. VCF-style: chr16-1361798-G-A. GRCh37 (hg19) VCF-style: chr16-1411799-G-A.
Identifiers: ClinVar variation 552294 (VCV000552294.25), dbSNP rs376679416, ClinGen allele CA7807532.